The following is an entry in ClinVar:

NM_001254.4(CDC6):c.106C>A (p.Pro36Thr)

Gene: CDC6 (cell division cycle 6; plus strand). Cytogenetic location: 17q21.2.
Variant type: single nucleotide variant.
Coding change: c.106C>A on transcript NM_001254.4 (MANE Select); coding-DNA position 106, C replaced by A.
Protein change: p.Pro36Thr; replaces proline 36 with threonine.
Molecular consequence: missense variant.
Genome position (GRCh38, 1-based): chr17:40,289,526, C>A. VCF-style: chr17-40289526-C-A. GRCh37 (hg19) VCF-style: chr17-38445778-C-A.
Other names: short protein forms P36T.
Identifiers: ClinVar variation 4759736 (VCV004759736.1).
Genomic context (GRCh38, chr17:40,289,526, plus strand): 5'-AAAAGGAAGCTGTCTCGGGCATTGAACAAAGCTAAAAACTCCAGTGATGCCAAACTAGAA[C>A]CAACAAATGTCCAAACCGTAACCTGTTCTCCTCGTGTAAAAGCCCTGCCTCTCAGCCCCA-3'
Protein context (NP_001245.1, residues 26-46): AKNSSDAKLE[Pro36Thr]TNVQTVTCSP

ClinVar aggregate classification (germline): Uncertain significance (1 of 4 stars; one submission).

Submission:

Labcorp Genetics (formerly Invitae), Labcorp
Classification: Uncertain significance. Last evaluated: 2025-02-03. Review status: criteria provided, single submitter. Criteria: Invitae Variant Classification Sherloc (09022015). Collection method: clinical testing. Allele origin: germline.
Comment: This sequence change replaces proline, which is neutral and non-polar, with threonine, which is neutral and polar, at codon 36 of the CDC6 protein (p.Pro36Thr). This variant is not present in population databases (gnomAD no frequency). This variant has not been reported in the literature in individuals affected with CDC6-related conditions. An algorithm developed to predict the effect of missense changes on protein structure and function (PolyPhen-2) suggests that this variant is likely to be tolerated. In summary, the available evidence is currently insufficient to determine the role of this variant in disease. Therefore, it has been classified as a Variant of Uncertain Significance.